The following is an entry in ClinVar:

NM_014614.3(PSME4):c.516T>C (p.Ile172=)

Gene: PSME4 (proteasome activator subunit 4; minus strand). Cytogenetic location: 2p16.2.
Variant type: single nucleotide variant.
Coding change: c.516T>C on transcript NM_014614.3 (MANE Select); coding-DNA position 516, T replaced by C.
Protein change: p.Ile172=; no amino-acid change (isoleucine 172 retained).
Molecular consequence: synonymous variant.
Genome position (GRCh38, 1-based): chr2:53,939,985, A>G on the plus strand (T>C on the coding strand, the complement: PSME4 is on the minus strand). VCF-style: chr2-53939985-A-G. GRCh37 (hg19) VCF-style: chr2-54167122-A-G.
Identifiers: ClinVar variation 2650915 (VCV002650915.24), dbSNP rs149829782, ClinGen allele CA1658820.

ClinVar aggregate classification (germline): Likely benign (1 of 4 stars; one submission).

Allele frequency attached by ClinVar (database versions not stated): 1000 Genomes Project 0.00020; ExAC 0.00029; 1000 Genomes Project 30x 0.00031; TOPMed 0.00042; gnomAD 0.00046; ESP Exome Variant Server 0.00077; gnomAD exomes 0.00079.
gnomAD v4.1: 1,185 of 1,593,248 alleles (0.074%); highest among the groups gnomAD compares: Non-Finnish European, 0.098%; no homozygotes.

Submission:

CeGaT Center for Human Genetics Tuebingen
Classification: Likely benign. Last evaluated: 2023-01-01. Review status: criteria provided, single submitter. Criteria: CeGaT Center For Human Genetics Tuebingen Variant Classification Criteria Version 2. Collection method: clinical testing. Allele origin: germline. Affected: yes. Observed: 1 variant allele.
Comment: PSME4: BP4, BP7